The following is an entry in ClinVar:

ClinVar aggregate classification (germline): Uncertain significance. Review status: criteria provided, multiple submitters, no conflicts (2 of 4 stars). 2 submissions from 2 submitters: Uncertain significance (2). Last evaluated 2024-01-13.

Conditions:
Accelerated tumor formation, susceptibility to (ACTFS). Identifiers: MedGen C3280690, OMIM 614401, MONDO:0013733.
Lessel-kubisch syndrome. Identifiers: MedGen C5231460, MONDO:0032868, OMIM 618681.

Allele frequency attached by ClinVar (database versions not stated): gnomAD exomes below 0.00001; TOPMed below 0.00001.
gnomAD v4.1: 1 of 1,540,806 alleles (0.000065%); highest among the groups gnomAD compares: East Asian, 0.0022%; no homozygotes.

Submissions (2):

Fulgent Genetics
Classification: Uncertain significance for Accelerated tumor formation, susceptibility to; Lessel-kubisch syndrome. Last evaluated: 2024-01-13. Review status: criteria provided, single submitter. Criteria: ACMG Guidelines, 2015. Collection method: clinical testing. Allele origin: germline.

Labcorp Genetics (formerly Invitae), Labcorp
Classification: Uncertain significance for Accelerated tumor formation, susceptibility to. Last evaluated: 2021-01-10. Review status: criteria provided, single submitter. Criteria: Invitae Variant Classification Sherloc (09022015). Collection method: clinical testing. Allele origin: germline.
Comment: This variant has not been reported in the literature in individuals with MDM2-related conditions. This variant is not present in population databases (ExAC no frequency). This sequence change falls in intron 7 of the MDM2 gene. It does not directly change the encoded amino acid sequence of the MDM2 protein. It affects a nucleotide within the consensus splice site of the intron. Nucleotide substitutions within the consensus splice site are a relatively common cause of aberrant splicing (PMID: 17576681, 9536098). Algorithms developed to predict the effect of sequence changes on RNA splicing suggest that this variant may create or strengthen a splice site, but this prediction has not been confirmed by published transcriptional studies. In summary, the available evidence is currently insufficient to determine the role of this variant in disease. Therefore, it has been classified as a Variant of Uncertain Significance.

Literature cited by the submitters: PubMed 17576681 (cited by Labcorp Genetics (formerly Invitae), Labcorp); PubMed 9536098 (cited by Labcorp Genetics (formerly Invitae), Labcorp).

NM_002392.6(MDM2):c.523+5A>G

Gene: MDM2 (MDM2 proto-oncogene; plus strand). Cytogenetic location: 12q15.
Variant type: single nucleotide variant.
Coding change: c.523+5A>G on transcript NM_002392.6 (MANE Select); 5 bases into the intron after coding-DNA position 523, A replaced by G.
Molecular consequence: intron variant.
Genome position (GRCh38, 1-based): chr12:68,824,656, A>G. VCF-style: chr12-68824656-A-G. GRCh37 (hg19) VCF-style: chr12-69218436-A-G.
Other names: c.359-4115A>G (NM_001145339.2); c.505+5A>G (NM_001367990.1, NM_001145337.3); c.156+11028A>G (NM_001278462.2, NM_001145340.3); c.523+5A>G (NM_002392.5).
Identifiers: ClinVar variation 1386125 (VCV001386125.7), dbSNP rs1423747454, ClinGen allele CA606183691.